The following is an entry in ClinVar:

NM_177438.3(DICER1):c.3728T>G (p.Leu1243Arg)

Gene: DICER1 (dicer 1, ribonuclease III; minus strand). Cytogenetic location: 14q32.13.
Variant type: single nucleotide variant.
Coding change: c.3728T>G on transcript NM_177438.3 (MANE Select); coding-DNA position 3728, T replaced by G.
Protein change: p.Leu1243Arg; replaces leucine 1243 with arginine.
Molecular consequence: missense variant. On other transcripts: non-coding transcript variant (6).
Genome position (GRCh38, 1-based): chr14:95,103,668, A>C on the plus strand (T>G on the coding strand, the complement: DICER1 is on the minus strand). VCF-style: chr14-95103668-A-C. GRCh37 (hg19) VCF-style: chr14-95570005-A-C.
Other names: c.3728T>G, p.Leu1243Arg (NM_001195573.1, NM_001271282.3, NM_001291628.2 and 13 more transcripts); c.3446T>G, p.Leu1149Arg (NM_001395686.1); c.3323T>G, p.Leu1108Arg (NM_001395687.1, NM_001395688.1, NM_001395689.1 and 2 more transcripts); c.3161T>G, p.Leu1054Arg (NM_001395691.1); c.2045T>G, p.Leu682Arg (NM_001395697.1); short protein forms L1054R, L1149R, L1108R, L1243R, L682R.
Identifiers: ClinVar variation 1734347 (VCV001734347.2), dbSNP rs561584807, ClinGen allele CA390874232.

ClinVar aggregate classification (germline): Uncertain significance (1 of 4 stars; one submission).

Conditions:
Hereditary cancer-predisposing syndrome. Also called: Neoplastic Syndromes, Hereditary; Tumor predisposition; Hereditary Cancer Syndrome; Hereditary neoplastic syndrome. Identifiers: Orphanet 140162, MedGen C0027672, MeSH D009386, MONDO:0015356.

Submission:

Ambry Genetics
Classification: Uncertain significance for Hereditary cancer-predisposing syndrome. Last evaluated: 2020-09-28. Review status: criteria provided, single submitter. Criteria: Ambry Variant Classification Scheme 2023. Collection method: clinical testing. Allele origin: germline.
Comment: The p.L1243R variant (also known as c.3728T>G), located in coding exon 20 of the DICER1 gene, results from a T to G substitution at nucleotide position 3728. The leucine at codon 1243 is replaced by arginine, an amino acid with dissimilar properties. This amino acid position is well conserved in available vertebrate species. In addition, this alteration is predicted to be tolerated by in silico analysis. Since supporting evidence is limited at this time, the clinical significance of this alteration remains unclear.